The following is an entry in ClinVar:

NM_000548.5(TSC2):c.599+6A>G

Gene: TSC2 (TSC complex subunit 2; plus strand). Cytogenetic location: 16p13.3.
Variant type: single nucleotide variant.
Coding change: c.599+6A>G on transcript NM_000548.5 (MANE Select); 6 bases into the intron after coding-DNA position 599, A replaced by G.
Molecular consequence: intron variant.
Genome position (GRCh38, 1-based): chr16:2,055,525, A>G. VCF-style: chr16-2055525-A-G. GRCh37 (hg19) VCF-style: chr16-2105526-A-G.
Other names: c.599+6A>G (NM_001114382.3, NM_021055.3, NM_001370405.1 and 3 more transcripts); c.488+6A>G (NM_001318827.2); c.-1-671A>G (NM_001318831.2); c.452+6A>G (NM_001318829.2); c.632+6A>G (NM_001318832.2).
Identifiers: ClinVar variation 1005236 (VCV001005236.8), dbSNP rs2085679383, ClinGen allele CA2202000301.

ClinVar aggregate classification (germline): Uncertain significance (1 of 4 stars; one submission).

Conditions:
Tuberous sclerosis 2 (TSC2). Identifiers: Orphanet 805, MedGen C1860707, MONDO:0013199, OMIM 613254.

Allele frequency attached by ClinVar (database versions not stated): gnomAD exomes below 0.00001.
gnomAD v4.1: 2 of 1,610,702 alleles (0.00012%); highest among the groups gnomAD compares: East Asian, 0.0022%; no homozygotes.

Submission:

Labcorp Genetics (formerly Invitae), Labcorp
Classification: Uncertain significance for Tuberous sclerosis 2. Last evaluated: 2024-11-02. Review status: criteria provided, single submitter. Criteria: Invitae Variant Classification Sherloc (09022015). Collection method: clinical testing. Allele origin: germline.
Comment: This sequence change falls in intron 6 of the TSC2 gene. It does not directly change the encoded amino acid sequence of the TSC2 protein. It affects a nucleotide within the consensus splice site. This variant is not present in population databases (gnomAD no frequency). This variant has not been reported in the literature in individuals affected with TSC2-related conditions. ClinVar contains an entry for this variant (Variation ID: 1005236). Variants that disrupt the consensus splice site are a relatively common cause of aberrant splicing (PMID: 17576681, 9536098). Algorithms developed to predict the effect of sequence changes on RNA splicing suggest that this variant is not likely to affect RNA splicing. In summary, the available evidence is currently insufficient to determine the role of this variant in disease. Therefore, it has been classified as a Variant of Uncertain Significance.

Literature cited by the submitters: PubMed 17576681; PubMed 9536098.